The following is an entry in ClinVar:

NM_003468.4(FZD5):c.1368C>T (p.Leu456=)

Gene: FZD5 (frizzled class receptor 5; minus strand). Cytogenetic location: 2q33.3.
Variant type: single nucleotide variant.
Coding change: c.1368C>T on transcript NM_003468.4 (MANE Select); coding-DNA position 1368, C replaced by T.
Protein change: p.Leu456=; no amino-acid change (leucine 456 retained).
Molecular consequence: synonymous variant.
Genome position (GRCh38, 1-based): chr2:207,767,372, G>A on the plus strand (C>T on the coding strand, the complement: FZD5 is on the minus strand). VCF-style: chr2-207767372-G-A. GRCh37 (hg19) VCF-style: chr2-208632096-G-A.
Identifiers: ClinVar variation 740988 (VCV000740988.12), dbSNP rs141749213, ClinGen allele CA2076911.

ClinVar aggregate classification (germline): Benign. Review status: criteria provided, multiple submitters, no conflicts (2 of 4 stars). 4 submissions from 4 submitters: Benign (3). 1 of the submissions does not count toward it. Last evaluated 2025-09-03.

Conditions:
FZD5-related disorder. Also called: FZD5-related condition.

Allele frequency attached by ClinVar (database versions not stated): 1000 Genomes Project 30x 0.00016; 1000 Genomes Project 0.00020; gnomAD exomes 0.00069 and 0.00104; ESP Exome Variant Server 0.00077; ExAC 0.00090; gnomAD 0.00096 and 0.00097; TOPMed 0.00100.
gnomAD v4.1: 1,233 of 1,612,660 alleles (0.076%); highest among the groups gnomAD compares: Middle Eastern, 0.84%; 7 homozygotes.

Submissions (4):

Labcorp Genetics (formerly Invitae), Labcorp
Classification: Benign. Last evaluated: 2025-09-03. Review status: criteria provided, single submitter. Criteria: Invitae Variant Classification Sherloc (09022015). Collection method: clinical testing. Allele origin: germline.

Blueprint Genetics
Classification: Benign. Last evaluated: 2024-11-20. Review status: criteria provided, single submitter. Criteria: ACMG Guidelines, 2015. Collection method: clinical testing. Allele origin: germline.

Breakthrough Genomics
Classification: Benign. Review status: criteria provided, single submitter. Criteria: ACMG Guidelines, 2015. Collection method: not provided. Allele origin: germline. Inheritance: Unknown mechanism. Affected: yes.

PreventionGenetics, part of Exact Sciences
Classification: Benign for FZD5-related condition. Last evaluated: 2019-06-07. Review status: no assertion criteria provided. Collection method: clinical testing. Allele origin: germline. Not counted in ClinVar's aggregate classification.
Comment: This variant is classified as benign based on ACMG/AMP sequence variant interpretation guidelines (Richards et al. 2015 PMID: 25741868, with internal and published modifications).